The following is an entry in ClinVar:

NM_001001557.4(GDF6):c.*144G>A

Gene: GDF6 (growth differentiation factor 6; minus strand). Cytogenetic location: 8q22.1.
Variant type: single nucleotide variant.
Coding change: c.*144G>A on transcript NM_001001557.4 (MANE Select); 144 bases downstream of the stop codon, G replaced by A.
Molecular consequence: 3 prime UTR variant.
Genome position (GRCh38, 1-based): chr8:96,144,419, C>T on the plus strand (G>A on the coding strand, the complement: GDF6 is on the minus strand). VCF-style: chr8-96144419-C-T. GRCh37 (hg19) VCF-style: chr8-97156647-C-T.
Identifiers: ClinVar variation 364039 (VCV000364039.8), dbSNP rs115887213, ClinGen allele CA10631836.

ClinVar aggregate classification (germline): Benign. Review status: criteria provided, multiple submitters, no conflicts (2 of 4 stars). 3 submissions from 3 submitters: Benign (3). Last evaluated 2018-08-03.

Conditions:
Klippel-Feil syndrome 1, autosomal dominant (KFS1). Also called: CERVICAL VERTEBRAL FUSION, AUTOSOMAL DOMINANT. Identifiers: Orphanet 2345, MedGen C1861689, MONDO:0007306, OMIM 118100.

Allele frequency attached by ClinVar (database versions not stated): gnomAD exomes 0.00289; gnomAD 0.02708 and 0.02912; 1000 Genomes Project 0.02855; 1000 Genomes Project 30x 0.02951; TOPMed 0.03117.
gnomAD v4.1: 6,518 of 940,194 alleles (0.69%); highest among the groups gnomAD compares: African/African-American, 9.2%; 280 homozygotes.

Submissions (3):

GeneDx
Classification: Benign. Last evaluated: 2018-08-03. Review status: criteria provided, single submitter. Criteria: GeneDx Variant Classification Process June 2021. Collection method: clinical testing. Allele origin: germline. Affected: yes.

Illumina Laboratory Services, Illumina
Classification: Benign for Klippel-Feil syndrome 1, autosomal dominant. Last evaluated: 2018-01-13. Review status: criteria provided, single submitter. Criteria: ICSL Variant Classification Criteria 13 December 2019. Collection method: clinical testing. Allele origin: germline.
Comment: This variant was observed in the ICSL laboratory as part of a predisposition screen in an ostensibly healthy population. It had not been previously curated by ICSL or reported in the Human Gene Mutation Database (HGMD: prior to June 1st, 2018), and was therefore a candidate for classification through an automated scoring system. Utilizing variant allele frequency, disease prevalence and penetrance estimates, and inheritance mode, an automated score was calculated to assess if this variant is too frequent to cause the disease. Based on the score and internal cut-off values, a variant classified as benign is not then subjected to further curation. The score for this variant resulted in a classification of benign for this disease.

Breakthrough Genomics
Classification: Benign. Review status: criteria provided, single submitter. Criteria: ACMG Guidelines, 2015. Collection method: not provided. Allele origin: germline. Inheritance: Autosomal recessive inheritance. Affected: yes.